The following is an entry in ClinVar:

ClinVar aggregate classification (germline): Uncertain significance. Review status: criteria provided, multiple submitters, no conflicts (2 of 4 stars). 2 submissions from 2 submitters: Uncertain significance (2). Last evaluated 2026-06-24.

Conditions:
Osteogenesis imperfecta type I (OI1). Also called: Lobstein disease; OI, TYPE I; OSTEOGENESIS IMPERFECTA TARDA; OSTEOGENESIS IMPERFECTA WITH BLUE SCLERAE; Osteogenesis imperfecta type 1; Classic Non-deforming Osteogenesis Imperfecta with Blue Sclerae. Identifiers: Orphanet 216796, Orphanet 666, MedGen C0023931, MONDO:0008146, OMIM 166200. Disease mechanism: loss of function.
Cardiovascular phenotype. Identifiers: MedGen CN230736.

gnomAD v4.1: 1 of 1,614,084 alleles (0.000062%); no homozygotes.

Submissions (2):

Ambry Genetics
Classification: Uncertain significance for Cardiovascular phenotype. Last evaluated: 2026-06-24. Review status: criteria provided, single submitter. Criteria: Ambry Variant Classification Scheme 2023. Collection method: clinical testing. Allele origin: germline.

Labcorp Genetics (formerly Invitae), Labcorp
Classification: Uncertain significance for Osteogenesis imperfecta type I. Last evaluated: 2024-04-29. Review status: criteria provided, single submitter. Criteria: Invitae Variant Classification Sherloc (09022015). Collection method: clinical testing. Allele origin: germline.
Comment: This sequence change replaces proline, which is neutral and non-polar, with leucine, which is neutral and non-polar, at codon 186 of the COL1A1 protein (p.Pro186Leu). This variant is not present in population databases (gnomAD no frequency). This variant has not been reported in the literature in individuals affected with COL1A1-related conditions. ClinVar contains an entry for this variant (Variation ID: 526855). Advanced modeling of protein sequence and biophysical properties (such as structural, functional, and spatial information, amino acid conservation, physicochemical variation, residue mobility, and thermodynamic stability) performed at Invitae indicates that this missense variant is expected to disrupt COL1A1 protein function with a positive predictive value of 95%. In summary, the available evidence is currently insufficient to determine the role of this variant in disease. Therefore, it has been classified as a Variant of Uncertain Significance.

NM_000088.4(COL1A1):c.557C>T (p.Pro186Leu)

Gene: COL1A1 (collagen type I alpha 1 chain; minus strand). Cytogenetic location: 17q21.33.
Variant type: single nucleotide variant.
Coding change: c.557C>T on transcript NM_000088.4 (MANE Select); coding-DNA position 557, C replaced by T.
Protein change: p.Pro186Leu; replaces proline 186 with leucine.
Molecular consequence: missense variant.
Genome position (GRCh38, 1-based): chr17:50,198,192, G>A on the plus strand (C>T on the coding strand, the complement: COL1A1 is on the minus strand). VCF-style: chr17-50198192-G-A. GRCh37 (hg19) VCF-style: chr17-48275553-G-A.
Other names: short protein forms P186L.
Identifiers: ClinVar variation 526855 (VCV000526855.7), dbSNP rs1555574809, ClinGen allele CA400225686.